The following is an entry in ClinVar:

ClinVar aggregate classification (germline): Uncertain significance. Review status: criteria provided, multiple submitters, no conflicts (2 of 4 stars). 2 submissions from 2 submitters: Uncertain significance (2). Last evaluated 2024-10-04.

Conditions:
Inborn genetic diseases. Identifiers: MedGen C0950123, MeSH D030342.
Fanconi anemia (FA). Also called: Fanconi's anemia. Identifiers: Orphanet 84, MedGen C0015625, MeSH D005199, MONDO:0019391.

Allele frequency attached by ClinVar (database versions not stated): TOPMed below 0.00001; gnomAD 0.00001.
gnomAD v4.1: 2 of 1,613,510 alleles (0.00012%); highest among the groups gnomAD compares: Non-Finnish European, 0.000085%; no homozygotes.

Submissions (2):

Ambry Genetics
Classification: Uncertain significance for Inborn genetic diseases. Last evaluated: 2024-10-04. Review status: criteria provided, single submitter. Criteria: Ambry Variant Classification Scheme 2023. Collection method: clinical testing. Allele origin: germline.
Comment: The p.S948G variant (also known as c.2842A>G), located in coding exon 14 of the FANCM gene, results from an A to G substitution at nucleotide position 2842. The serine at codon 948 is replaced by glycine, an amino acid with similar properties. This amino acid position is conserved. In addition, this alteration is predicted to be tolerated by in silico analysis. Based on the available evidence, the clinical significance of this variant remains unclear.

Labcorp Genetics (formerly Invitae), Labcorp
Classification: Uncertain significance for Fanconi anemia. Last evaluated: 2022-07-31. Review status: criteria provided, single submitter. Criteria: Invitae Variant Classification Sherloc (09022015). Collection method: clinical testing. Allele origin: germline.
Comment: This sequence change replaces serine, which is neutral and polar, with glycine, which is neutral and non-polar, at codon 948 of the FANCM protein (p.Ser948Gly). This variant is present in population databases (no rsID available, gnomAD 0.0009%). In summary, the available evidence is currently insufficient to determine the role of this variant in disease. Therefore, it has been classified as a Variant of Uncertain Significance. Algorithms developed to predict the effect of missense changes on protein structure and function are either unavailable or do not agree on the potential impact of this missense change (SIFT: "Tolerated"; PolyPhen-2: "Possibly Damaging"; Align-GVGD: "Class C0"). This variant has not been reported in the literature in individuals affected with FANCM-related conditions.

NM_020937.4(FANCM):c.2842A>G (p.Ser948Gly)

Gene: FANCM (FA complementation group M; plus strand). Cytogenetic location: 14q21.2.
Variant type: single nucleotide variant.
Coding change: c.2842A>G on transcript NM_020937.4 (MANE Select); coding-DNA position 2842, A replaced by G.
Protein change: p.Ser948Gly; replaces serine 948 with glycine.
Molecular consequence: missense variant.
Genome position (GRCh38, 1-based): chr14:45,175,596, A>G. VCF-style: chr14-45175596-A-G. GRCh37 (hg19) VCF-style: chr14-45644799-A-G.
Other names: c.2764A>G, p.Ser922Gly (NM_001308133.2); short protein forms S922G, S948G.
Identifiers: ClinVar variation 2046220 (VCV002046220.5), dbSNP rs1432794224, ClinGen allele CA389599295.